The following is an entry in ClinVar:

ClinVar aggregate classification (germline): Uncertain significance. Review status: criteria provided, multiple submitters, no conflicts (2 of 4 stars). 5 submissions from 5 submitters: Uncertain significance (4). 1 of the submissions does not count toward it. Last evaluated 2026-02-02.

Conditions:
SIAE-related disorder. Also called: SIAE-related condition.
Autoimmune disease, susceptibility to, 6. Identifiers: MedGen C3150797, MONDO:0013303, OMIM 613551.

Allele frequency attached by ClinVar (database versions not stated): gnomAD exomes 0.00038 and 0.00077; ExAC 0.00043; gnomAD 0.00060; TOPMed 0.00077; 1000 Genomes Project 30x 0.00078; 1000 Genomes Project 0.00080; ESP Exome Variant Server 0.00085.
gnomAD v4.1: 1,215 of 1,614,208 alleles (0.075%); highest among the groups gnomAD compares: Non-Finnish European, 0.096%; 1 homozygote.

Submissions (5):

Labcorp Genetics (formerly Invitae), Labcorp
Classification: Uncertain significance. Last evaluated: 2026-02-02. Review status: criteria provided, single submitter. Criteria: Invitae Variant Classification Sherloc (09022015). Collection method: clinical testing. Allele origin: germline.
Comment: This sequence change replaces cysteine, which is neutral and slightly polar, with phenylalanine, which is neutral and non-polar, at codon 196 of the SIAE protein (p.Cys196Phe). This variant is present in population databases (rs143070599, gnomAD 0.07%), and has an allele count higher than expected for a pathogenic variant. This missense change has been observed in individual(s) with autoimmune disease (PMID: 20555325). ClinVar contains an entry for this variant (Variation ID: 1351). An algorithm developed to predict the effect of missense changes on protein structure and function (PolyPhen-2) suggests that this variant is likely to be disruptive. Experimental studies have shown that this missense change affects SIAE function (PMID: 20555325, 23308225). In summary, the available evidence is currently insufficient to determine the role of this variant in disease. Therefore, it has been classified as a Variant of Uncertain Significance.

PreventionGenetics, part of Exact Sciences
Classification: Uncertain significance for SIAE-related condition. Last evaluated: 2025-03-17. Review status: criteria provided, single submitter. Criteria: ACMG Guidelines, 2015. Collection method: clinical testing. Allele origin: germline.
Comment: The SIAE c.587G>T variant is predicted to result in the amino acid substitution p.Cys196Phe. This variant has been reported in individuals with autoimmune diseases (Surolia et al. 2010. PubMed ID: 20555325; Supplementary Tables 1 and 2, Hunt et al. 2011. PubMed ID: 22200769). Functional analyses of this variant showed it impacted catalytical activity (Surolia et al. 2010. PubMed ID: 20555325; Chellappa et al. 2013. PubMed ID: 23308225). This variant is reported in 0.072% of alleles in individuals of European (Non-Finnish) descent in gnomAD. Although we suspect that this variant may be benign, at this time, the clinical significance of this variant is uncertain due to the absence of conclusive functional and genetic evidence.

Women's Health and Genetics/Laboratory Corporation of America, LabCorp
Classification: Uncertain significance. Last evaluated: 2025-01-17. Review status: criteria provided, single submitter. Criteria: LabCorp Variant Classification Summary - May 2015. Collection method: clinical testing. Allele origin: germline.
Comment: Variant summary: SIAE c.587G>T (p.Cys196Phe) results in a non-conservative amino acid change located in the Sialate O-acetylesterase domain (IPR005181) of the encoded protein sequence. Five of five in-silico tools predict a damaging effect of the variant on protein function. The variant allele was found at a frequency of 0.00038 in 251464 control chromosomes. This frequency is not significantly higher than estimated for a pathogenic variant in SIAE causing Autoimmune Disease, Susceptibility To, 6, allowing no conclusion about variant significance. c.587G>T has been reported in the literature in individuals affected with Autoimmune Disease, Susceptibility To, 6. These report(s) do not provide unequivocal conclusions about association of the variant with Autoimmune Disease, Susceptibility To, 6 (Surolia_2010). However, subsequent studies have reported this variant in similar numbers of disease cases and controls, with an odd ratio of 1.0145 (Hunt_2012, Gan_2012). Two publications report experimental evidence evaluating an impact on protein function. The most pronounced variant effect results in <10% of normal activity in both studies (Surolia_2010, Chellappa_2013). The following publications have been ascertained in the context of this evaluation (PMID: 23308225, 23011869, 22200769, 20555325). ClinVar contains an entry for this variant (Variation ID: 1351). Based on the evidence outlined above, the variant was classified as VUS-possibly pathogenic.

CeGaT Center for Human Genetics Tuebingen
Classification: Uncertain significance. Last evaluated: 2024-04-01. Review status: criteria provided, single submitter. Criteria: CeGaT Center For Human Genetics Tuebingen Variant Classification Criteria Version 2. Collection method: clinical testing. Allele origin: germline. Affected: yes. Observed: 1 variant allele.
Comment: SIAE: PM2, PS4:Moderate, PS3:Supporting

OMIM
Classification: risk factor for AUTOIMMUNE DISEASE, SUSCEPTIBILITY TO, 6. Last evaluated: 2010-07-08. Review status: no assertion criteria provided. Collection method: literature only. Allele origin: germline. Not counted in ClinVar's aggregate classification.

Literature cited by the submitters: PubMed 20555325 (cited by 3 submitters); PubMed 23308225 (cited by Labcorp Genetics (formerly Invitae), Labcorp and Women's Health and Genetics/Laboratory Corporation of America, LabCorp); PubMed 23011869 (cited by Women's Health and Genetics/Laboratory Corporation of America, LabCorp); PubMed 22200769 (cited by Women's Health and Genetics/Laboratory Corporation of America, LabCorp).

NM_170601.5(SIAE):c.587G>T (p.Cys196Phe)

Gene: SIAE (sialic acid acetylesterase; minus strand). Cytogenetic location: 11q24.2.
Variant type: single nucleotide variant.
Coding change: c.587G>T on transcript NM_170601.5 (MANE Select); coding-DNA position 587, G replaced by T.
Protein change: p.Cys196Phe; replaces cysteine 196 with phenylalanine.
Molecular consequence: missense variant.
Genome position (GRCh38, 1-based): chr11:124,649,754, C>A on the plus strand (G>T on the coding strand, the complement: SIAE is on the minus strand). VCF-style: chr11-124649754-C-A. GRCh37 (hg19) VCF-style: chr11-124519650-C-A.
Other names: c.482G>T, p.Cys161Phe (NM_001199922.2); c.587G>T (NM_170601.4); short protein forms C196F, C161F.
Identifiers: ClinVar variation 1351 (VCV000001351.31), dbSNP rs143070599, ClinGen allele CA114948.